The following is an entry in ClinVar:

NM_001330700.2(TOP2B):c.4749G>A (p.Val1583=)

Gene: TOP2B (DNA topoisomerase II beta; minus strand). Cytogenetic location: 3p24.2.
Variant type: single nucleotide variant.
Coding change: c.4749G>A on transcript NM_001330700.2 (MANE Select); coding-DNA position 4749, G replaced by A.
Protein change: p.Val1583=; no amino-acid change (valine 1583 retained).
Molecular consequence: synonymous variant.
Genome position (GRCh38, 1-based): chr3:25,598,439, C>T on the plus strand (G>A on the coding strand, the complement: TOP2B is on the minus strand). VCF-style: chr3-25598439-C-T. GRCh37 (hg19) VCF-style: chr3-25639930-C-T.
Other names: c.4734G>A, p.Val1578= (NM_001068.3).
Identifiers: ClinVar variation 2868262 (VCV002868262.16), dbSNP rs776612165, ClinGen allele CA2287978.
Genomic context (GRCh38, chr3:25,598,439, plus strand): 5'-AGCCCGACCGGTTCGTGGCAGAGAAGGTGGCTCAGTAGGGAAGTCTGAGGGGAAGATGTC[C>T]ACATCTGAATCCTGATCAAAAGATGTCTTCTTCGGTTTCTAGATTTTTTTTCAATAGATT-3'
Protein context (NP_001317629.1, residues 1573-1593): KKTSFDQDSD[Val1583=]DIFPSDFPTE

ClinVar aggregate classification (germline): Likely benign. Review status: criteria provided, multiple submitters, no conflicts (2 of 4 stars). 2 submissions from 2 submitters: Likely benign (2). Last evaluated 2024-12-01.

Allele frequency attached by ClinVar (database versions not stated): TOPMed below 0.00001; gnomAD 0.00001; ExAC 0.00002; gnomAD exomes 0.00003.
gnomAD v4.1: 42 of 1,612,610 alleles (0.0026%); highest among the groups gnomAD compares: South Asian, 0.0099%; no homozygotes.

Submissions (2):

CeGaT Center for Human Genetics Tuebingen
Classification: Likely benign. Last evaluated: 2024-12-01. Review status: criteria provided, single submitter. Criteria: CeGaT Center For Human Genetics Tuebingen Variant Classification Criteria Version 2. Collection method: clinical testing. Allele origin: germline. Affected: yes. Observed: 1 variant allele.
Comment: TOP2B: BP4, BP7

Labcorp Genetics (formerly Invitae), Labcorp
Classification: Likely benign. Last evaluated: 2023-04-06. Review status: criteria provided, single submitter. Criteria: Invitae Variant Classification Sherloc (09022015). Collection method: clinical testing. Allele origin: germline.